The following is an entry in ClinVar:

ClinVar aggregate classification (germline): Uncertain significance (1 of 4 stars; one submission).

Conditions:
Cardiovascular phenotype. Identifiers: MedGen CN230736.

Submission:

Ambry Genetics
Classification: Uncertain significance for Cardiovascular phenotype. Last evaluated: 2023-11-21. Review status: criteria provided, single submitter. Criteria: Ambry Variant Classification Scheme 2023. Collection method: clinical testing. Allele origin: germline.
Comment: The p.H3107Q variant (also known as c.9321C>G), located in coding exon 26 of the TNXB gene, results from a C to G substitution at nucleotide position 9321. The histidine at codon 3107 is replaced by glutamine, an amino acid with highly similar properties. This amino acid position is conserved. In addition, this alteration is predicted to be tolerated by in silico analysis. Since supporting evidence is limited at this time, the clinical significance of this alteration remains unclear.

NM_001365276.2(TNXB):c.9327C>G (p.His3109Gln)

Gene: TNXB (tenascin XB; minus strand). Cytogenetic location: 6p21.33.
Variant type: single nucleotide variant.
Coding change: c.9327C>G on transcript NM_001365276.2 (MANE Select); coding-DNA position 9327, C replaced by G.
Protein change: p.His3109Gln; replaces histidine 3109 with glutamine.
Molecular consequence: missense variant.
Genome position (GRCh38, 1-based): chr6:32,050,110, G>C on the plus strand (C>G on the coding strand, the complement: TNXB is on the minus strand). VCF-style: chr6-32050110-G-C. GRCh37 (hg19) VCF-style: chr6-32017887-G-C.
Other names: c.10068C>G, p.His3356Gln (NM_001428335.1); c.9321C>G, p.His3107Gln (NM_019105.8); short protein forms H3107Q, H3109Q, H3356Q.
Identifiers: ClinVar variation 3227360 (VCV003227360.1), dbSNP rs769053134, ClinGen allele CA3733562.
Genomic context (GRCh38, chr6:32,050,110, plus strand): 5'-GTACAGGTTCATCTTGTATTTATGGTCTGGCTCCAGGCCTGAGATGGTGACCCCGTCCTC[G>C]TGCCCCGGCACCCGCACCGCCTTGGGCTGCCCATCCCCATTCCTGTACTGGACCAGGAAG-3'
Protein context (NP_001352205.1, residues 3099-3119): GQPKAVRVPG[His3109Gln]EDGVTISGLE